The following is an entry in ClinVar:

Single allele

Genes: AATF (apoptosis antagonizing transcription factor; plus strand), ACACA (acetyl-CoA carboxylase alpha; minus strand), C17orf78 (chromosome 17 open reading frame 78; plus strand), DDX52 (DExD-box helicase 52; minus strand), DHRS11 (dehydrogenase/reductase 11; plus strand) and 29 more. Cytogenetic location: 17q12.
Variant type: Deletion.
Identifiers: ClinVar variation 4819204 (VCV004819204.1).

ClinVar aggregate classification (germline): Pathogenic (1 of 4 stars; one submission).

Conditions:
Chromosome 17q12 deletion syndrome. Identifiers: Orphanet 261265, MedGen C3281138, MONDO:0013797, OMIM 614527.

Submission:

Broad Center for Mendelian Genomics, Broad Institute of MIT and Harvard
Classification: Pathogenic for Chromosome 17q12 deletion syndrome. Last evaluated: 2023-05-01. Review status: criteria provided, single submitter. Criteria: ACMG/ClinGen CNV Guidelines, 2019. Collection method: research. Allele origin: germline. Inheritance: Autosomal dominant inheritance. Affected: yes.
Comment: These breakpoints have been called by exome sequencing only and therefore may not reflect the true breakpoints. The patient phenotype is nonspecific, but is consistent with cases described in the literature and/or published databases with overlapping variants. There is large overlap with the 17q12 recurrent (RCAD syndrome) region (includes HNF1B) and complete overlap with the HNF1B gene, both of which are known to be haploinsufficient and have been assessed by the ClinGen Dosage Sensitivity Working Group. Data from large population studies are insufficient to assess the frequency of this variant. In summary, this variant meets criteria to be classified as pathogenic for chromosome 17q12 deletion syndrome. The ACMG/ClinGen evidence codes and points used in this curation are as follows: 1: 0 points, 2: 1 points, 3: 0 points, 4-5: 0.1 points; Total: 1.1 points; Riggs 2020 (PMID: 31690835).